The following is an entry in ClinVar:

ClinVar aggregate classification (germline): Uncertain significance (1 of 4 stars; one submission).

Conditions:
Familial thoracic aortic aneurysm and aortic dissection (TAAD). Also called: Thoracic aortic aneurysms and dissections. Identifiers: Orphanet 91387, MedGen C4707243, MONDO:0019625.
Hereditary cancer-predisposing syndrome. Also called: Neoplastic Syndromes, Hereditary; Tumor predisposition; Hereditary Cancer Syndrome; Hereditary neoplastic syndrome. Identifiers: Orphanet 140162, MedGen C0027672, MeSH D009386, MONDO:0015356.

Allele frequency attached by ClinVar (database versions not stated): ExAC 0.00001.
gnomAD v4.1: 1 of 1,613,724 alleles (0.000062%); highest among the groups gnomAD compares: Non-Finnish European, 0.000085%; no homozygotes.

Submission:

Ambry Genetics
Classification: Uncertain significance for Hereditary cancer-predisposing syndrome; Familial thoracic aortic aneurysm and aortic dissection. Last evaluated: 2025-07-29. Review status: criteria provided, single submitter. Criteria: Ambry Variant Classification Scheme 2023. Collection method: clinical testing. Allele origin: germline.
Comment: The p.E134Q variant (also known as c.400G>C), located in coding exon 2 of the SMAD4 gene, results from a G to C substitution at nucleotide position 400. The glutamic acid at codon 134 is replaced by glutamine, an amino acid with highly similar properties. This amino acid position is highly conserved in available vertebrate species. In addition, the in silico prediction for this alteration is inconclusive. Based on the available evidence, the clinical significance of this variant remains unclear.

NM_005359.6(SMAD4):c.400G>C (p.Glu134Gln)

Gene: SMAD4 (SMAD family member 4; plus strand). Cytogenetic location: 18q21.2.
Variant type: single nucleotide variant.
Coding change: c.400G>C on transcript NM_005359.6 (MANE Select); coding-DNA position 400, G replaced by C.
Protein change: p.Glu134Gln; replaces glutamic acid 134 with glutamine.
Molecular consequence: missense variant.
Genome position (GRCh38, 1-based): chr18:51,048,836, G>C. VCF-style: chr18-51048836-G-C. GRCh37 (hg19) VCF-style: chr18-48575206-G-C.
Other names: c.400G>C, p.Glu134Gln (NM_001407041.1, NM_001407042.1, NM_001407043.1); short protein forms E134Q.
Identifiers: ClinVar variation 1737010 (VCV001737010.3), dbSNP rs748395067, ClinGen allele CA8965772.
Genomic context (GRCh38, chr18:51,048,836, plus strand): 5'-TATTGTCAGTATGCGTTTGACTTAAAATGTGATAGTGTCTGTGTGAATCCATATCACTAC[G>C]AACGAGTTGTATCACCTGGAATTGGTAAGTAGACTTTGCTTTCATCCTAAGAAACATAAA-3'
Protein context (NP_005350.1, residues 124-144): DSVCVNPYHY[Glu134Gln]RVVSPGIDLS